The following is an entry in ClinVar:

NM_001370348.2(PHF3):c.220A>T (p.Asn74Tyr)

Gene: PHF3 (PHD finger protein 3; plus strand). Cytogenetic location: 6q12.
Variant type: single nucleotide variant.
Coding change: c.220A>T on transcript NM_001370348.2 (MANE Select); coding-DNA position 220, A replaced by T.
Protein change: p.Asn74Tyr; replaces asparagine 74 with tyrosine.
Molecular consequence: missense variant. On other transcripts: 5 prime UTR variant (2), intron variant (1).
Genome position (GRCh38, 1-based): chr6:63,646,771, A>T. VCF-style: chr6-63646771-A-T. GRCh37 (hg19) VCF-style: chr6-64356676-A-T.
Other names: c.-238A>T (NM_001290259.2); c.220A>T, p.Asn74Tyr (NM_001290260.2, NM_015153.4); c.-191A>T (NM_001370350.2); c.-21+10621A>T (NM_001370349.2); short protein forms N74Y.
Identifiers: ClinVar variation 5040421 (VCV005040421.1).

ClinVar aggregate classification (germline): Uncertain significance (1 of 4 stars; one submission).

Submission:

CeGaT Center for Human Genetics Tuebingen
Classification: Uncertain significance. Last evaluated: 2026-08-01. Review status: criteria provided, single submitter. Criteria: CeGaT Center For Human Genetics Tuebingen Variant Classification Criteria Version 2. Collection method: clinical testing. Allele origin: germline. Affected: yes. Observed: 1 variant allele.
Comment: PHF3: PM2